The following is an entry in ClinVar:

NM_012470.4(TNPO3):c.1933T>G (p.Leu645Val)

Gene: TNPO3 (transportin 3; minus strand). Cytogenetic location: 7q32.1.
Variant type: single nucleotide variant.
Coding change: c.1933T>G on transcript NM_012470.4 (MANE Select); coding-DNA position 1933, T replaced by G.
Protein change: p.Leu645Val; replaces leucine 645 with valine.
Molecular consequence: missense variant. On other transcripts: non-coding transcript variant (14), intron variant (1).
Genome position (GRCh38, 1-based): chr7:128,979,111, A>C on the plus strand (T>G on the coding strand, the complement: TNPO3 is on the minus strand). VCF-style: chr7-128979111-A-C. GRCh37 (hg19) VCF-style: chr7-128619165-A-C.
Other names: c.1741T>G, p.Leu581Val (NM_001191028.3, NM_001382223.1); c.2035T>G, p.Leu679Val (NM_001382216.1); c.2014T>G, p.Leu672Val (NM_001382217.1); c.1933T>G, p.Leu645Val (NM_001382218.1); c.1825T>G, p.Leu609Val (NM_001382219.1); c.1789T>G, p.Leu597Val (NM_001382221.1); c.1786T>G, p.Leu596Val (NM_001382222.1); c.1920+860T>G (NM_001382220.1); short protein forms L596V, L581V, L609V, L679V, L597V, L645V, L672V.
Identifiers: ClinVar variation 958419 (VCV000958419.10), dbSNP rs1799377598, ClinGen allele CA369221727.

ClinVar aggregate classification (germline): Uncertain significance (1 of 4 stars; one submission).

Conditions:
Autosomal dominant limb-girdle muscular dystrophy type 1F (LGMDD2). Also called: Limb-girdle muscular dystrophy, type 1F; MUSCULAR DYSTROPHY, LIMB-GIRDLE, AUTOSOMAL DOMINANT 2. Identifiers: Orphanet 55595, MedGen C1842062, MONDO:0012034, OMIM 608423.

Submission:

Labcorp Genetics (formerly Invitae), Labcorp
Classification: Uncertain significance for Autosomal dominant limb-girdle muscular dystrophy type 1F. Last evaluated: 2019-10-24. Review status: criteria provided, single submitter. Criteria: Invitae Variant Classification Sherloc (09022015). Collection method: clinical testing. Allele origin: germline.
Comment: This sequence change replaces leucine with valine at codon 645 of the TNPO3 protein (p.Leu645Val). The leucine residue is highly conserved and there is a small physicochemical difference between leucine and valine. This variant is not present in population databases (ExAC no frequency). This variant has not been reported in the literature in individuals with TNPO3-related conditions. Algorithms developed to predict the effect of missense changes on protein structure and function are either unavailable or do not agree on the potential impact of this missense change (SIFT: "Deleterious"; PolyPhen-2: "Benign"; Align-GVGD: "Class C15"). In summary, the available evidence is currently insufficient to determine the role of this variant in disease. Therefore, it has been classified as a Variant of Uncertain Significance.